The following is an entry in ClinVar:

ClinVar aggregate classification (germline): Benign. Review status: criteria provided, multiple submitters, no conflicts (2 of 4 stars). 3 submissions from 3 submitters: Benign (2). 1 of the submissions does not count toward it. Last evaluated 2026-02-02.

Conditions:
ATRN-related disorder. Also called: ATRN-related condition.

Allele frequency attached by ClinVar (database versions not stated): 1000 Genomes Project 0.19169; ExAC 0.22466; gnomAD 0.26746 and 0.27683; gnomAD exomes 0.24870 and 0.20270; TOPMed 0.27403; ESP Exome Variant Server 0.29087; 1000 Genomes Project 30x 0.19706.
gnomAD v4.1: 376,220 of 1,505,310 alleles (25%); highest among the groups gnomAD compares: African/African-American, 32%; 52,159 homozygotes.

Submissions (3):

Labcorp Genetics (formerly Invitae), Labcorp
Classification: Benign. Last evaluated: 2026-02-02. Review status: criteria provided, single submitter. Criteria: Invitae Variant Classification Sherloc (09022015). Collection method: clinical testing. Allele origin: germline.

Breakthrough Genomics
Classification: Benign. Review status: criteria provided, single submitter. Criteria: ACMG Guidelines, 2015. Collection method: not provided. Allele origin: germline. Inheritance: Unknown mechanism. Affected: yes.

PreventionGenetics, part of Exact Sciences
Classification: Benign for ATRN-related condition. Last evaluated: 2024-07-29. Review status: no assertion criteria provided. Collection method: clinical testing. Allele origin: germline. Not counted in ClinVar's aggregate classification.
Comment: This variant is classified as benign based on ACMG/AMP sequence variant interpretation guidelines (Richards et al. 2015 PMID: 25741868, with internal and published modifications).

NM_139321.3(ATRN):c.435G>A (p.Val145=)

Gene: ATRN (attractin; plus strand). Cytogenetic location: 20p13.
Variant type: single nucleotide variant.
Coding change: c.435G>A on transcript NM_139321.3 (MANE Select); coding-DNA position 435, G replaced by A.
Protein change: p.Val145=; no amino-acid change (valine 145 retained).
Molecular consequence: synonymous variant.
Genome position (GRCh38, 1-based): chr20:3,535,277, G>A. VCF-style: chr20-3535277-G-A. GRCh37 (hg19) VCF-style: chr20-3515924-G-A.
Other names: c.87G>A, p.Val29= (NM_001207047.3); c.435G>A, p.Val145= (NM_001323332.2, NM_139322.4); c.435G>A (NM_139321.2).
Identifiers: ClinVar variation 1170767 (VCV001170767.12), dbSNP rs151518, ClinGen allele CA9743801.